The following continues an entry in ClinVar:

NM_001243133.2(NLRP3):c.1316C>T (p.Ala439Val)

Gene: NLRP3. ClinVar aggregate classification (germline): Pathogenic/Likely pathogenic. Pathogenic (10); Likely pathogenic (1).

Submissions 9 to 15 of 15:

ARUP Laboratories, Molecular Genetics and Genomics, ARUP Laboratories
Classification: Pathogenic. Last evaluated: 2022-11-23. Review status: criteria provided, single submitter. Criteria: ARUP Molecular Germline Variant Investigation Process 2021. Collection method: clinical testing. Allele origin: germline.
Comment: The NLRP3 c.1322C>T; p.Ala441Val variant (rs121908146), also known as Ala439Val, is published in the medical literature in several individuals and families with various autoinflammatory syndromes (Aoyama 2012, Hentgen 2005, Hoffman 2001, Houx 2015, Parker 2016) and is described as one of the more common pathogenic variants (Cuisset 2010). The variant is described as occurring de novo in at least one family (Hoffman 2001) and also has been shown to segregate with disease (Hoffman 2001, Hentgen 2005). The variant is reported in ClinVar (Variation ID: 4370), but is absent from the Genome Aggregation Database, indicating it is not a common polymorphism. The alanine at codon 441 is highly conserved, and computational analyses are uncertain whether this variant is neutral or deleterious (REVEL: 0.481). Considering available information, this variant is classified as pathogenic. References: Aoyama K et al. Cryopyrin-associated periodic syndrome: a case report and review of the Japanese literature. Acta Derm Venereol. 2012 Jul;92(4):395-8. PMID: 22377911. Cuisset L et al. Mutations in the autoinflammatory cryopyrin-associated periodic syndrome gene: epidemiological study and lessons from eight years of genetic analysis in France. Ann Rheum Dis. 2011 Mar;70(3):495-9. PMID: 21109514. Hentgen V et al. Intrafamilial variable phenotypic expression of a CIAS1 mutation: from Muckle-Wells to chronic infantile neurological cutaneous and articular syndrome. J Rheumatol. 2005 Apr;32(4):747-51. PMID: 15801036. PMID: 11687797. Hoffman HM et al. Mutation of a new gene encoding a putative pyrin-like protein causes familial cold autoinflammatory syndrome and Muckle-Wells syndrome. Nat Genet. 2001 Nov;29(3):301-5. PMID: 11687797. Houx L et al. Musculoskeletal symptoms in patients with cryopyrin-associated periodic syndromes: a large database study. Arthritis Rheumatol. 2015 Nov;67(11):3027-36. PMID: 26245507. Parker T et al. Neurology of the cryopyrin-associated periodic fever syndrome. Eur J Neurol. 2016 Jul;23(7):1145-51. PMID: 26931528.

Fulgent Genetics
Classification: Pathogenic for Familial cold autoinflammatory syndrome 1; Keratitis fugax hereditaria; Familial amyloid nephropathy with urticaria AND deafness; Chronic infantile neurological, cutaneous and articular syndrome; Hearing loss, autosomal dominant 34, with or without inflammation. Last evaluated: 2021-07-29. Review status: criteria provided, single submitter. Criteria: ACMG Guidelines, 2015. Collection method: clinical testing. Allele origin: unknown.

Genome Diagnostics Laboratory, The Hospital for Sick Children
Classification: Pathogenic for Autoinflammatory syndrome. Last evaluated: 2021-01-06. Review status: criteria provided, single submitter. Criteria: ACMG Guidelines, 2015. Collection method: clinical testing. Allele origin: germline. Affected: yes.

OMIM
Classification: Pathogenic for FAMILIAL COLD AUTOINFLAMMATORY SYNDROME 1. Last evaluated: 2001-11-01. Review status: no assertion criteria provided. Collection method: literature only. Allele origin: germline. Not counted in ClinVar's aggregate classification.

Genome Diagnostics Laboratory, University Medical Center Utrecht
Classification: Pathogenic. Review status: no assertion criteria provided. Collection method: clinical testing. Allele origin: germline. Affected: yes. Study: VKGL Data-share Consensus. Not counted in ClinVar's aggregate classification.

Joint Genome Diagnostic Labs from Nijmegen and Maastricht, Radboudumc and MUMC+
Classification: Pathogenic. Review status: no assertion criteria provided. Collection method: clinical testing. Allele origin: germline. Affected: yes. Study: VKGL Data-share Consensus. Not counted in ClinVar's aggregate classification.

Unité médicale des maladies autoinflammatoires, CHRU Montpellier
No classification provided. Condition: Familial cold urticaria. Review status: no classification provided. Collection method: not provided. Allele origin: unknown. Not counted in ClinVar's aggregate classification.
Comment: also involved in OMIM 191900 and 607115

Literature cited by the submitters: PubMed 31777803 (cited by Women's Health and Genetics/Laboratory Corporation of America, LabCorp and Mayo Clinic Laboratories, Mayo Clinic); PubMed 25596455 (cited by 3 submitters); PubMed 11687797 (cited by 4 submitters); PubMed 15801036 (cited by Labcorp Genetics (formerly Invitae), Labcorp and Mayo Clinic Laboratories, Mayo Clinic); PubMed 26245507 (cited by Labcorp Genetics (formerly Invitae), Labcorp and Mayo Clinic Laboratories, Mayo Clinic); PubMed 26931528 (cited by Labcorp Genetics (formerly Invitae), Labcorp and Mayo Clinic Laboratories, Mayo Clinic); PubMed 27134254 (cited by 3 submitters); PubMed 22377911 (cited by Mayo Clinic Laboratories, Mayo Clinic); PubMed 30568124 (cited by Mayo Clinic Laboratories, Mayo Clinic); PubMed 31057541 (cited by Mayo Clinic Laboratories, Mayo Clinic); PubMed 34099780 (cited by Mayo Clinic Laboratories, Mayo Clinic); PubMed 5173311 (cited by OMIM).